The following is an entry in ClinVar:

NM_014927.5(CNKSR2):c.2387A>T (p.Asp796Val)

Gene: CNKSR2 (connector enhancer of kinase suppressor of Ras 2; plus strand). Cytogenetic location: Xp22.12.
Variant type: single nucleotide variant.
Coding change: c.2387A>T on transcript NM_014927.5 (MANE Select); coding-DNA position 2387, A replaced by T.
Protein change: p.Asp796Val; replaces aspartic acid 796 with valine.
Molecular consequence: missense variant.
Genome position (GRCh38, 1-based): chrX:21,609,312, A>T. VCF-style: chrX-21609312-A-T. GRCh37 (hg19) VCF-style: chrX-21627430-A-T.
Other names: c.2297A>T, p.Asp766Val (NM_001168647.3, NM_001330773.2); c.2387A>T, p.Asp796Val (NM_001168648.3); c.2240A>T, p.Asp747Val (NM_001168649.3, NM_001330770.2); c.2150A>T, p.Asp717Val (NM_001330771.2, NM_001330772.2); short protein forms D717V, D747V, D766V, D796V.
Identifiers: ClinVar variation 2663141 (VCV002663141.1), dbSNP rs2519359438, ClinGen allele CA412558833.

ClinVar aggregate classification (germline): Uncertain significance (1 of 4 stars; one submission).

Submission:

GeneDx
Classification: Uncertain significance. Last evaluated: 2023-05-04. Review status: criteria provided, single submitter. Criteria: GeneDx Variant Classification Process June 2021. Collection method: clinical testing. Allele origin: germline. Affected: yes.
Comment: Not observed at significant frequency in large population cohorts (gnomAD); In silico analysis supports that this missense variant does not alter protein structure/function; Has not been previously published as pathogenic or benign to our knowledge